The following is an entry in ClinVar:

NM_000214.3(JAG1):c.3007G>A (p.Glu1003Lys)

Gene: JAG1 (jagged canonical Notch ligand 1; minus strand). Cytogenetic location: 20p12.2.
Variant type: single nucleotide variant.
Coding change: c.3007G>A on transcript NM_000214.3 (MANE Select); coding-DNA position 3007, G replaced by A.
Protein change: p.Glu1003Lys; replaces glutamic acid 1003 with lysine.
Molecular consequence: missense variant.
Genome position (GRCh38, 1-based): chr20:10,641,154, C>T on the plus strand (G>A on the coding strand, the complement: JAG1 is on the minus strand). VCF-style: chr20-10641154-C-T. GRCh37 (hg19) VCF-style: chr20-10621802-C-T.
Other names: short protein forms E1003K.
Identifiers: ClinVar variation 844418 (VCV000844418.17), dbSNP rs781509375, ClinGen allele CA9764325.
Genomic context (GRCh38, chr20:10,641,154, plus strand): 5'-GAATGGGTCTTATACTTACAATGGCCACATGTATTTCATTGTTCGCTGAAGGGGAAGGCT[C>T]GCAAGCGATGTAGATTGAATATTCAGCGGAAACATTCTTCAAAATATTCAAATTCCTCAA-3'
Protein context (NP_000205.1, residues 993-1013): SAEYSIYIAC[Glu1003Lys]PSPSANNEIH

ClinVar aggregate classification (germline): Conflicting classifications of pathogenicity. Review status: criteria provided, conflicting classifications (1 of 4 stars). 4 submissions from 4 submitters: Uncertain significance (2); Likely benign (1). 1 of the submissions does not count toward it. Last evaluated 2026-02-01.

Conditions:
Alagille syndrome due to a JAG1 point mutation. Also called: JAG1-Related Alagille Syndrome; Alagille Syndrome 1; HEPATIC DUCTULAR HYPOPLASIA, SYNDROMATIC. Identifiers: Orphanet 261619, Orphanet 52, MedGen C1956125, MONDO:0016862, OMIM 118450.
JAG1-related disorder. Also called: JAG1-related disorders; JAG1-related condition.
Charcot-Marie-Tooth disease, axonal, Type 2HH. Also called: CHARCOT-MARIE-TOOTH NEUROPATHY, TYPE 2HH. Identifiers: MedGen C5562003, MONDO:0030458, OMIM 619574.
Deafness, congenital heart defects, and posterior embryotoxon (DCHE). Identifiers: MedGen C1866053, MONDO:0060713, OMIM 617992.
Tetralogy of Fallot (TOF). Identifiers: Orphanet 3303, MedGen C0039685, MONDO:0008542, OMIM 187500, HP:0001636.

Submissions (4):

CeGaT Center for Human Genetics Tuebingen
Classification: Uncertain significance. Last evaluated: 2026-02-01. Review status: criteria provided, single submitter. Criteria: CeGaT Center For Human Genetics Tuebingen Variant Classification Criteria Version 2. Collection method: clinical testing. Allele origin: germline. Affected: yes. Observed: 1 variant allele.

Labcorp Genetics (formerly Invitae), Labcorp
Classification: Likely benign for Alagille syndrome due to a JAG1 point mutation. Last evaluated: 2025-06-12. Review status: criteria provided, single submitter. Criteria: Invitae Variant Classification Sherloc (09022015). Collection method: clinical testing. Allele origin: germline.

Fulgent Genetics
Classification: Uncertain significance for Alagille syndrome due to a JAG1 point mutation; Tetralogy of Fallot; Deafness, congenital heart defects, and posterior embryotoxon; Charcot-Marie-Tooth disease, axonal, Type 2HH. Last evaluated: 2021-11-11. Review status: criteria provided, single submitter. Criteria: ACMG Guidelines, 2015. Collection method: clinical testing. Allele origin: unknown.

PreventionGenetics, part of Exact Sciences
Classification: Uncertain significance for JAG1-related condition. Last evaluated: 2024-03-01. Review status: no assertion criteria provided. Collection method: clinical testing. Allele origin: germline. Not counted in ClinVar's aggregate classification.
Comment: The JAG1 c.3007G>A variant is predicted to result in the amino acid substitution p.Glu1003Lys. To our knowledge, this variant has not been reported in the literature. This variant is reported in 0.029% of alleles in individuals of South Asian descent in gnomAD. At this time, the clinical significance of this variant is uncertain due to the absence of conclusive functional and genetic evidence.